The following is an entry in ClinVar:

NM_021625.5(TRPV4):c.1584+18del

Gene: TRPV4 (transient receptor potential cation channel subfamily V member 4; minus strand). Cytogenetic location: 12q24.11.
Variant type: Deletion.
Coding change: c.1584+18del on transcript NM_021625.5 (MANE Select); 18 bases into the intron after coding-DNA position 1584, one base deleted (G; older notation c.1584+18delG).
Molecular consequence: intron variant.
Genome position (GRCh38, 1-based): chr12:109,793,912, C deleted on the plus strand (G on the coding strand, the reverse complement: TRPV4 is on the minus strand). VCF-style (leftmost placement, unchanged base first): chr12-109793911-AC-A. GRCh37 (hg19) VCF-style: chr12-110231716-AC-A.
Other names: c.1584+18delG (NM_021625.4); c.1263+18del (NM_001177433.1); c.1443+18del (NM_001177428.1); c.1404+18del (NM_147204.2); c.1482+18del (NM_001177431.1).
Identifiers: ClinVar variation 518103 (VCV000518103.7), dbSNP rs757667255, ClinGen allele CA6780173.

ClinVar aggregate classification (germline): Likely benign. Review status: criteria provided, multiple submitters, no conflicts (2 of 4 stars). 2 submissions from 2 submitters: Likely benign (2). Last evaluated 2025-06-06.

Conditions:
Charcot-Marie-Tooth disease axonal type 2C (HMSN2C). Also called: CHARCOT-MARIE-TOOTH DISEASE, AXONAL, AUTOSOMAL DOMINANT, TYPE 2C; Charcot-Marie-Tooth Neuropathy Type 2C; Charcot-Marie-Tooth Disease Type 2, TRPV4-Related (CMT2C). Identifiers: Orphanet 99937, MedGen C1853710, MONDO:0011633, OMIM 606071.

Allele frequency attached by ClinVar (database versions not stated): gnomAD 0.00004; gnomAD exomes 0.00007 and 0.00014; TOPMed 0.00004; ExAC 0.00007.

Submissions (2):

Labcorp Genetics (formerly Invitae), Labcorp
Classification: Likely benign for Charcot-Marie-Tooth disease axonal type 2C. Last evaluated: 2025-06-06. Review status: criteria provided, single submitter. Criteria: Invitae Variant Classification Sherloc (09022015). Collection method: clinical testing. Allele origin: germline.

GeneDx
Classification: Likely benign. Last evaluated: 2017-08-24. Review status: criteria provided, single submitter. Criteria: GeneDx Variant Classification (06012015). Collection method: clinical testing. Allele origin: germline. Affected: yes.
Comment: This variant is considered likely benign or benign based on one or more of the following criteria: it is a conservative change, it occurs at a poorly conserved position in the protein, it is predicted to be benign by multiple in silico algorithms, and/or has population frequency not consistent with disease.